The following is an entry in ClinVar:

NM_001378183.1(PIEZO2):c.1941A>C (p.Glu647Asp)

Gene: PIEZO2 (piezo type mechanosensitive ion channel component 2; minus strand). Cytogenetic location: 18p11.22.
Variant type: single nucleotide variant.
Coding change: c.1941A>C on transcript NM_001378183.1 (MANE Select); coding-DNA position 1941, A replaced by C.
Protein change: p.Glu647Asp; replaces glutamic acid 647 with aspartic acid.
Molecular consequence: missense variant.
Genome position (GRCh38, 1-based): chr18:10,789,307, T>G on the plus strand (A>C on the coding strand, the complement: PIEZO2 is on the minus strand). VCF-style: chr18-10789307-T-G. GRCh37 (hg19) VCF-style: chr18-10789305-T-G.
Other names: c.1941A>C, p.Glu647Asp (NM_001410871.1, NM_022068.4); short protein forms E647D.
Identifiers: ClinVar variation 2520997 (VCV002520997.24), dbSNP rs1021262669, ClinGen allele CA296001868.

ClinVar aggregate classification (germline): Conflicting classifications of pathogenicity. Review status: criteria provided, conflicting classifications (1 of 4 stars). 2 submissions from 2 submitters: Uncertain significance (1); Likely benign (1). Last evaluated 2023-12-01.

Conditions:
Inborn genetic diseases. Identifiers: MedGen C0950123, MeSH D030342.

Allele frequency attached by ClinVar (database versions not stated): gnomAD exomes 0.00004; TOPMed 0.00005; gnomAD 0.00006.
gnomAD v4.1: 61 of 1,537,232 alleles (0.004%); highest among the groups gnomAD compares: Middle Eastern, 0.1%; no homozygotes.

Submissions (2):

CeGaT Center for Human Genetics Tuebingen
Classification: Likely benign. Last evaluated: 2023-12-01. Review status: criteria provided, single submitter. Criteria: CeGaT Center For Human Genetics Tuebingen Variant Classification Criteria Version 2. Collection method: clinical testing. Allele origin: germline. Affected: yes. Observed: 1 variant allele.
Comment: PIEZO2: BP4

Ambry Genetics
Classification: Uncertain significance for Inborn genetic diseases. Last evaluated: 2023-04-25. Review status: criteria provided, single submitter. Criteria: Ambry Variant Classification Scheme 2023. Collection method: clinical testing. Allele origin: germline.